The following is an entry in ClinVar:

ClinVar aggregate classification (germline): Uncertain significance (1 of 4 stars; one submission).

Conditions:
Familial adenomatous polyposis 1 (FAP1). Also called: POLYPOSIS, ADENOMATOUS INTESTINAL; FAMILIAL ADENOMATOUS POLYPOSIS 1, ATTENUATED. Identifiers: MedGen C2713442, MONDO:0021056, OMIM 175100. Disease mechanism: loss of function.

Submission:

Labcorp Genetics (formerly Invitae), Labcorp
Classification: Uncertain significance for Familial adenomatous polyposis 1. Last evaluated: 2022-03-28. Review status: criteria provided, single submitter. Criteria: Invitae Variant Classification Sherloc (09022015). Collection method: clinical testing. Allele origin: germline.
Comment: This sequence change replaces alanine, which is neutral and non-polar, with serine, which is neutral and polar, at codon 2286 of the APC protein (p.Ala2286Ser). This variant is not present in population databases (gnomAD no frequency). This variant has not been reported in the literature in individuals affected with APC-related conditions. Algorithms developed to predict the effect of missense changes on protein structure and function output the following: SIFT: "Tolerated"; PolyPhen-2: "Benign"; Align-GVGD: "Class C0". The serine amino acid residue is found in multiple mammalian species, which suggests that this missense change does not adversely affect protein function. In summary, the available evidence is currently insufficient to determine the role of this variant in disease. Therefore, it has been classified as a Variant of Uncertain Significance.

NM_000038.6(APC):c.6856G>T (p.Ala2286Ser)

Gene: APC (APC regulator of Wnt signaling pathway; plus strand). Cytogenetic location: 5q22.2.
Variant type: single nucleotide variant.
Coding change: c.6856G>T on transcript NM_000038.6 (MANE Select); coding-DNA position 6856, G replaced by T.
Protein change: p.Ala2286Ser; replaces alanine 2286 with serine.
Molecular consequence: missense variant.
Genome position (GRCh38, 1-based): chr5:112,842,450, G>T. VCF-style: chr5-112842450-G-T. GRCh37 (hg19) VCF-style: chr5-112178147-G-T.
Other names: c.6856G>T, p.Ala2286Ser (NM_001354895.2, NM_001127510.3, NM_001407450.1); c.6910G>T, p.Ala2304Ser (NM_001354896.2, NM_001407447.1, NM_001407448.1 and 1 more transcripts); c.6886G>T, p.Ala2296Ser (NM_001354897.2); c.6478G>T, p.Ala2160Ser (NM_001354904.2); c.6376G>T, p.Ala2126Ser (NM_001354905.2); c.6007G>T, p.Ala2003Ser (NM_001354906.2, NM_001407470.1); c.6802G>T, p.Ala2268Ser (NM_001127511.3); c.6781G>T, p.Ala2261Ser (NM_001354898.2); and 11 more; short protein forms A2157S, A2185S, A2227S, A2261S, A2003S, A2126S, A2203S, A2268S.
Identifiers: ClinVar variation 2118648 (VCV002118648.4), dbSNP rs2149974815, ClinGen allele CA16036298.